The following is an entry in ClinVar:

ClinVar aggregate classification (germline): Uncertain significance (1 of 4 stars; one submission).

Conditions:
Evans syndrome, immunodeficiency, and premature immunosenescence associated with tripeptidyl-peptidase II deficiency. Identifiers: MedGen CN231723. Disease mechanism: loss of function.

Allele frequency attached by ClinVar (database versions not stated): TOPMed below 0.00001; gnomAD 0.00001; gnomAD exomes 0.00001 and 0.00002; ExAC 0.00002.

Submission:

Labcorp Genetics (formerly Invitae), Labcorp
Classification: Uncertain significance for Evans syndrome, immunodeficiency, and premature immunosenescence associated with tripeptidyl-peptidase II deficiency. Last evaluated: 2023-12-09. Review status: criteria provided, single submitter. Criteria: Invitae Variant Classification Sherloc (09022015). Collection method: clinical testing. Allele origin: germline.
Comment: This sequence change replaces tyrosine, which is neutral and polar, with histidine, which is basic and polar, at codon 249 of the TPP2 protein (p.Tyr249His). This variant is present in population databases (rs772747668, gnomAD 0.009%). This variant has not been reported in the literature in individuals affected with TPP2-related conditions. ClinVar contains an entry for this variant (Variation ID: 1003139). An algorithm developed to predict the effect of missense changes on protein structure and function (PolyPhen-2) suggests that this variant is likely to be tolerated. In summary, the available evidence is currently insufficient to determine the role of this variant in disease. Therefore, it has been classified as a Variant of Uncertain Significance.

NM_001330588.2(TPP2):c.745T>C (p.Tyr249His)

Gene: TPP2 (tripeptidyl peptidase 2; plus strand). Cytogenetic location: 13q33.1.
Variant type: single nucleotide variant.
Coding change: c.745T>C on transcript NM_001330588.2 (MANE Select); coding-DNA position 745, T replaced by C.
Protein change: p.Tyr249His; replaces tyrosine 249 with histidine.
Molecular consequence: missense variant. On other transcripts: non-coding transcript variant (1).
Genome position (GRCh38, 1-based): chr13:102,623,001, T>C. VCF-style: chr13-102623001-T-C. GRCh37 (hg19) VCF-style: chr13-103275351-T-C.
Other names: c.745T>C, p.Tyr249His (NM_001367947.1, NM_003291.4); short protein forms Y249H.
Identifiers: ClinVar variation 1003139 (VCV001003139.9), dbSNP rs772747668, ClinGen allele CA7037587.